The following is an entry in ClinVar:

ClinVar aggregate classification (germline): Pathogenic (1 of 4 stars; one submission).

Submission:

Labcorp Genetics (formerly Invitae), Labcorp
Classification: Pathogenic. Last evaluated: 2024-07-15. Review status: criteria provided, single submitter. Criteria: Invitae Variant Classification Sherloc (09022015). Collection method: clinical testing. Allele origin: germline.
Comment: This sequence change creates a premature translational stop signal (p.Gln309*) in the SERPINF1 gene. It is expected to result in an absent or disrupted protein product. Loss-of-function variants in SERPINF1 are known to be pathogenic (PMID: 21353196, 21826736). This variant is not present in population databases (gnomAD no frequency). This variant has not been reported in the literature in individuals affected with SERPINF1-related conditions. ClinVar contains an entry for this variant (Variation ID: 1454957). For these reasons, this variant has been classified as Pathogenic.

Literature cited by the submitters: PubMed 21353196; PubMed 21826736.

NM_002615.7(SERPINF1):c.925C>T (p.Gln309Ter)

Gene: SERPINF1 (serpin family F member 1; plus strand). Cytogenetic location: 17p13.3.
Variant type: single nucleotide variant.
Coding change: c.925C>T on transcript NM_002615.7 (MANE Select); coding-DNA position 925, C replaced by T.
Protein change: p.Gln309Ter; replaces glutamine 309 with a stop codon.
Molecular consequence: nonsense.
Genome position (GRCh38, 1-based): chr17:1,776,670, C>T. VCF-style: chr17-1776670-C-T. GRCh37 (hg19) VCF-style: chr17-1679964-C-T.
Other names: c.925C>T, p.Gln309Ter (NM_001329903.2); c.364C>T, p.Gln122Ter (NM_001329904.2, NM_001329905.2); short protein forms Q122*, Q309*.
Identifiers: ClinVar variation 1454957 (VCV001454957.6), dbSNP rs2151212936, ClinGen allele CA397589839.